The following is an entry in ClinVar:

NM_006059.4(LAMC3):c.3494G>A (p.Ser1165Asn)

Gene: LAMC3 (laminin subunit gamma 3; plus strand). Cytogenetic location: 9q34.12.
Variant type: single nucleotide variant.
Coding change: c.3494G>A on transcript NM_006059.4 (MANE Select); coding-DNA position 3494, G replaced by A.
Protein change: p.Ser1165Asn; replaces serine 1165 with asparagine.
Molecular consequence: missense variant.
Genome position (GRCh38, 1-based): chr9:131,073,321, G>A. VCF-style: chr9-131073321-G-A. GRCh37 (hg19) VCF-style: chr9-133948708-G-A.
Other names: short protein forms S1165N.
Identifiers: ClinVar variation 2307570 (VCV002307570.2), dbSNP rs1453568158, ClinGen allele CA375259970.

ClinVar aggregate classification (germline): Uncertain significance (1 of 4 stars; one submission).

Conditions:
Inborn genetic diseases. Identifiers: MedGen C0950123, MeSH D030342.

Allele frequency attached by ClinVar (database versions not stated): gnomAD exomes 0.00001; TOPMed 0.00001.
gnomAD v4.1: 10 of 1,612,958 alleles (0.00062%); highest among the groups gnomAD compares: Non-Finnish European, 0.00085%; no homozygotes.

Submission:

Ambry Genetics
Classification: Uncertain significance for Inborn genetic diseases. Last evaluated: 2022-09-05. Review status: criteria provided, single submitter. Criteria: Ambry Variant Classification Scheme 2023. Collection method: clinical testing. Allele origin: germline.
Comment: Occurs in the last base pair of the exon Based on insufficient or conflicting evidence, the clinical significance of this alteration remains unclear.